The following is an entry in ClinVar:

ClinVar aggregate classification (germline): Uncertain significance (1 of 4 stars; one submission).

Conditions:
Lethal congenital glycogen storage disease of heart. Also called: GLYCOGEN STORAGE DISEASE OF HEART; PHOSPHORYLASE KINASE DEFICIENCY OF HEART. Identifiers: Orphanet 439854, MedGen C1849813, MONDO:0009867, OMIM 261740.

Submission:

Labcorp Genetics (formerly Invitae), Labcorp
Classification: Uncertain significance for Lethal congenital glycogen storage disease of heart. Last evaluated: 2019-12-27. Review status: criteria provided, single submitter. Criteria: Invitae Variant Classification Sherloc (09022015). Collection method: clinical testing. Allele origin: germline.
Comment: Algorithms developed to predict the effect of missense changes on protein structure and function (SIFT, PolyPhen-2, Align-GVGD) all suggest that this variant is likely to be tolerated, but these predictions have not been confirmed by published functional studies and their clinical significance is uncertain. This variant has not been reported in the literature in individuals with PRKAG2-related conditions. This variant is not present in population databases (ExAC no frequency). This sequence change replaces aspartic acid with glycine at codon 367 of the PRKAG2 protein (p.Asp367Gly). The aspartic acid residue is highly conserved and there is a moderate physicochemical difference between aspartic acid and glycine. Algorithms developed to predict the effect of sequence changes on RNA splicing suggest that this variant may create or strengthen a splice site, but this prediction has not been confirmed by published transcriptional studies. In summary, the available evidence is currently insufficient to determine the role of this variant in disease. Therefore, it has been classified as a Variant of Uncertain Significance.

NM_016203.4(PRKAG2):c.1100A>G (p.Asp367Gly)

Gene: PRKAG2 (protein kinase AMP-activated non-catalytic subunit gamma 2; minus strand). Cytogenetic location: 7q36.1.
Variant type: single nucleotide variant.
Coding change: c.1100A>G on transcript NM_016203.4 (MANE Select); coding-DNA position 1100, A replaced by G.
Protein change: p.Asp367Gly; replaces aspartic acid 367 with glycine.
Molecular consequence: missense variant.
Genome position (GRCh38, 1-based): chr7:151,570,177, T>C on the plus strand (A>G on the coding strand, the complement: PRKAG2 is on the minus strand). VCF-style: chr7-151570177-T-C. GRCh37 (hg19) VCF-style: chr7-151267263-T-C.
Other names: c.968A>G, p.Asp323Gly (NM_001040633.2); c.725A>G, p.Asp242Gly (NM_001304527.2); c.377A>G, p.Asp126Gly (NM_001304531.2, NM_024429.2); c.728A>G, p.Asp243Gly (NM_001363698.2); short protein forms D242G, D243G, D126G, D323G, D367G.
Identifiers: ClinVar variation 859628 (VCV000859628.9), dbSNP rs1807219152, ClinGen allele CA370071712.